The following is an entry in ClinVar:

ClinVar aggregate classification (germline): Likely benign (0 of 4 stars; one submission).

Conditions:
CCDC33-related disorder. Also called: CCDC33-related condition.

Allele frequency attached by ClinVar (database versions not stated): 1000 Genomes Project 30x 0.00031; 1000 Genomes Project 0.00040; TOPMed 0.00105; gnomAD 0.00109; ESP Exome Variant Server 0.00141; gnomAD exomes 0.00155; ExAC 0.00180.
gnomAD v4.1: 2,418 of 1,612,508 alleles (0.15%); highest among the groups gnomAD compares: Admixed American, 0.19%; 5 homozygotes.

Submission:

PreventionGenetics, part of Exact Sciences
Classification: Likely benign for CCDC33-related condition. Last evaluated: 2022-04-29. Review status: no assertion criteria provided. Collection method: clinical testing. Allele origin: germline.
Comment: This variant is classified as likely benign based on ACMG/AMP sequence variant interpretation guidelines (Richards et al. 2015 PMID: 25741868, with internal and published modifications).

NM_025055.5(CCDC33):c.52G>A (p.Ala18Thr)

Gene: CCDC33 (coiled-coil domain containing 33; plus strand). Cytogenetic location: 15q24.1.
Variant type: single nucleotide variant.
Coding change: c.52G>A on transcript NM_025055.5 (MANE Select); coding-DNA position 52, G replaced by A.
Protein change: p.Ala18Thr; replaces alanine 18 with threonine.
Molecular consequence: missense variant.
Genome position (GRCh38, 1-based): chr15:74,244,015, G>A. VCF-style: chr15-74244015-G-A. GRCh37 (hg19) VCF-style: chr15-74536356-G-A.
Other names: short protein forms A18T.
Identifiers: ClinVar variation 3037179 (VCV003037179.2), dbSNP rs189088694, ClinGen allele CA7655281.